The following is an entry in ClinVar:

ClinVar aggregate classification (germline): Likely pathogenic. Review status: criteria provided, multiple submitters, no conflicts (2 of 4 stars). 2 submissions from 2 submitters: Likely pathogenic (2). Last evaluated 2026-03-09.

Conditions:
Peroxisome biogenesis disorder. Identifiers: Orphanet 79189, MedGen C1832200, MONDO:0019234. Disease mechanism: loss of function.
Peroxisome biogenesis disorder 9B. Also called: PEX7-Related Refsum Disease; Refsum disease, adult, 2; PEROXISOME BIOGENESIS DISORDER, PEX7-RELATED, ATYPICAL. Identifiers: Orphanet 773, MedGen C2749346, MONDO:0013945, OMIM 614879.

gnomAD v4.1: 1 of 1,614,000 alleles (0.000062%); highest among the groups gnomAD compares: Non-Finnish European, 0.000085%; no homozygotes.

Submissions (2):

Myriad Genetics, Inc.
Classification: Likely pathogenic for Peroxisome biogenesis disorder. Last evaluated: 2026-03-09. Review status: criteria provided, single submitter. Criteria: Myriad Autosomal Dominant, Autosomal Recessive and X-Linked Classification Criteria (2023). Collection method: clinical testing. Allele origin: unknown.
Comment: NM_000288.3(PEX7):c.339+1G>A is a variant in a canonical splice site classified as likely pathogenic in the context of PEX7-related disorders. c.339+1G>A has not been observed in cases with relevant disease. Relevant functional assessments of this variant are not available in the literature. c.339+1G>A has not been observed in referenced population frequency databases. In summary, NM_000288.3(PEX7):c.339+1G>A is a variant in a canonical splice site in a gene where loss of function is a known mechanism of disease and is predicted to disrupt protein function. Please note: this variant was assessed in the context of healthy population screening.

Labcorp Genetics (formerly Invitae), Labcorp
Classification: Likely pathogenic for Peroxisome biogenesis disorder 9B. Last evaluated: 2024-07-31. Review status: criteria provided, single submitter. Criteria: Invitae Variant Classification Sherloc (09022015). Collection method: clinical testing. Allele origin: germline.
Comment: This sequence change affects a donor splice site in intron 3 of the PEX7 gene. It is expected to disrupt RNA splicing. Variants that disrupt the donor or acceptor splice site typically lead to a loss of protein function (PMID: 16199547), and loss-of-function variants in PEX7 are known to be pathogenic (PMID: 12325024, 12522768, 20301447). This variant is not present in population databases (gnomAD no frequency). This variant has not been reported in the literature in individuals affected with PEX7-related conditions. Algorithms developed to predict the effect of sequence changes on RNA splicing suggest that this variant may disrupt the consensus splice site. In summary, the currently available evidence indicates that the variant is pathogenic, but additional data are needed to prove that conclusively. Therefore, this variant has been classified as Likely Pathogenic.

Literature cited by the submitters: PubMed 16199547 (cited by Labcorp Genetics (formerly Invitae), Labcorp); PubMed 12325024 (cited by Labcorp Genetics (formerly Invitae), Labcorp); PubMed 12522768 (cited by Labcorp Genetics (formerly Invitae), Labcorp); PubMed 20301447 (cited by Labcorp Genetics (formerly Invitae), Labcorp).

NM_000288.4(PEX7):c.339+1G>A

Gene: PEX7 (peroxisomal biogenesis factor 7; plus strand). Cytogenetic location: 6q23.3.
Variant type: single nucleotide variant.
Coding change: c.339+1G>A on transcript NM_000288.4 (MANE Select); the canonical splice donor site of the intron after coding-DNA position 339, G replaced by A.
Molecular consequence: splice donor variant.
Genome position (GRCh38, 1-based): chr6:136,826,470, G>A. VCF-style: chr6-136826470-G-A. GRCh37 (hg19) VCF-style: chr6-137147608-G-A.
Other names: c.225+1G>A (NM_001410945.1).
Identifiers: ClinVar variation 3661112 (VCV003661112.3).
Genomic context (GRCh38, chr6:136,826,470, plus strand): 5'-CTCTGGGACACTGCCAAAGCTGCAGGGCCACTGCAAGTCTATAAAGAACACGCTCAGGAG[G>A]TAGGAGGGAAATCTTTCTGGGCTGATTATTTTTCTTTCTTCGACTTTGGTTGAAATCCAT-3'